The following is an entry in ClinVar:

ClinVar aggregate classification (germline): Uncertain significance. Review status: criteria provided, multiple submitters, no conflicts (2 of 4 stars). 2 submissions from 2 submitters: Uncertain significance (2). Last evaluated 2024-05-03.

Conditions:
Hypogonadotropic hypogonadism 5 with or without anosmia (KAL5). Also called: HYPOGONADOTROPIC HYPOGONADISM 5 WITH ANOSMIA; CHD7-Related GnRH Deficiency (Kallmann Syndrome 5); HYPOGONADOTROPHIC HYPOGONADISM 5 WITHOUT ANOSMIA. Identifiers: Orphanet 478, MedGen C3552553, MONDO:0012880, OMIM 612370. Disease mechanism: loss of function.
CHARGE syndrome (CHARGE). Also called: Hittner Hirsch Kreh syndrome; CHARGE ASSOCIATION--COLOBOMA, HEART ANOMALY, CHOANAL ATRESIA, RETARDATION, GENITAL AND EAR ANOMALIES; Coloboma, heart anomaly, choanal atresia, retardation, genital and ear anomalies; CHARGE association; Hall-Hittner syndrome. Identifiers: Orphanet 138, MedGen C0265354, MONDO:0008965.

Submissions (2):

Fulgent Genetics
Classification: Uncertain significance for CHD7-related CHARGE syndrome; Hypogonadotropic hypogonadism 5 with or without anosmia. Last evaluated: 2024-05-03. Review status: criteria provided, single submitter. Criteria: ACMG Guidelines, 2015. Collection method: clinical testing. Allele origin: germline.

GeneDx
Classification: Uncertain significance. Last evaluated: 2020-01-02. Review status: criteria provided, single submitter. Criteria: GeneDx Variant Classification Process June 2021. Collection method: clinical testing. Allele origin: germline. Affected: yes.
Comment: Has not been previously published as pathogenic or benign to our knowledge; Not observed in large population cohorts (Lek et al., 2016); In silico analysis, which includes protein predictors and evolutionary conservation, supports a deleterious effect; This variant is associated with the following publications: (PMID: 32185379)

NM_017780.4(CHD7):c.8674C>G (p.Pro2892Ala)

Gene: CHD7 (chromodomain helicase DNA binding protein 7; plus strand). Cytogenetic location: 8q12.2.
Variant type: single nucleotide variant.
Coding change: c.8674C>G on transcript NM_017780.4 (MANE Select); coding-DNA position 8674, C replaced by G.
Protein change: p.Pro2892Ala; replaces proline 2892 with alanine.
Molecular consequence: missense variant.
Genome position (GRCh38, 1-based): chr8:60,865,613, C>G. VCF-style: chr8-60865613-C-G. GRCh37 (hg19) VCF-style: chr8-61778172-C-G.
Other names: c.2527C>G, p.Pro843Ala (NM_001316690.1); short protein forms P2892A, P843A.
Identifiers: ClinVar variation 1310737 (VCV001310737.3), dbSNP rs1806208860, ClinGen allele CA371310973.
Genomic context (GRCh38, chr8:60,865,613, plus strand): 5'-GGATCTGTTGGTGCTGCTACTGCCCCGGCTGGATTGCCCTCAAACCCGCTAGCCTTCAAC[C>G]CTTTCCTCCTGTCCACAATGGCCCCGGGCCTCTTCTACCCATCCATGTTTCTACCTCCAG-3'
Protein context (NP_060250.2, residues 2882-2902): GLPSNPLAFN[Pro2892Ala]FLLSTMAPGL